The following is an entry in ClinVar:

NM_000093.5(COL5A1):c.2273C>G (p.Ala758Gly)

Gene: COL5A1 (collagen type V alpha 1 chain; plus strand). Cytogenetic location: 9q34.3.
Variant type: single nucleotide variant.
Coding change: c.2273C>G on transcript NM_000093.5 (MANE Select); coding-DNA position 2273, C replaced by G.
Protein change: p.Ala758Gly; replaces alanine 758 with glycine.
Molecular consequence: missense variant.
Genome position (GRCh38, 1-based): chr9:134,768,450, C>G. VCF-style: chr9-134768450-C-G. GRCh37 (hg19) VCF-style: chr9-137660296-C-G.
Other names: c.2273C>G, p.Ala758Gly (NM_001278074.1); short protein forms A758G.
Identifiers: ClinVar variation 5034803 (VCV005034803.1).

ClinVar aggregate classification (germline): Uncertain significance (1 of 4 stars; one submission).

Conditions:
Familial thoracic aortic aneurysm and aortic dissection (TAAD). Also called: Thoracic aortic aneurysms and dissections. Identifiers: Orphanet 91387, MedGen C4707243, MONDO:0019625.

Submission:

Ambry Genetics
Classification: Uncertain significance for Familial thoracic aortic aneurysm and aortic dissection. Last evaluated: 2026-08-08. Review status: criteria provided, single submitter. Criteria: Ambry Variant Classification Scheme 2023. Collection method: clinical testing. Allele origin: germline.
Comment: The p.A758G variant (also known as c.2273C>G), located in coding exon 25 of the COL5A1 gene, results from a C to G substitution at nucleotide position 2273. The alanine at codon 758 is replaced by glycine, an amino acid with similar properties. This amino acid position is conserved. In addition, the in silico prediction for this alteration is inconclusive. Based on the available evidence, the clinical significance of this variant remains unclear.